The following is an entry in ClinVar:

ClinVar aggregate classification (germline): Pathogenic/Likely pathogenic. Review status: criteria provided, multiple submitters, no conflicts (2 of 4 stars). 2 submissions from 2 submitters: Pathogenic (1); Likely pathogenic (1). Last evaluated 2025-03-10.

Conditions:
Cystic fibrosis (CF). Also called: MUCOVISCIDOSIS. Identifiers: Orphanet 586, MedGen C0010674, MONDO:0009061, OMIM 219700. Disease mechanism: loss of function.

Submissions (2):

Women's Health and Genetics/Laboratory Corporation of America, LabCorp
Classification: Likely pathogenic for Cystic fibrosis. Last evaluated: 2025-03-10. Review status: criteria provided, single submitter. Criteria: LabCorp Variant Classification Summary - May 2015. Collection method: clinical testing. Allele origin: germline.
Comment: Variant summary: CFTR c.580-1G>C (also described as c.712-1G>C in the literature) is located in a canonical splice-site and is predicted to affect mRNA splicing resulting in a significantly altered protein due to either exon skipping, shortening, or inclusion of intronic material. Variants that disrupt the consensus splice site are a relatively common cause of aberrant splicing and loss of CFTR function. Several computational tools predict a significant impact on normal splicing: Four predict the variant abolishes a 3' acceptor site. However, these predictions have yet to be confirmed by functional studies. The variant was absent in 251428 control chromosomes (gnomAD). c.580-1G>C has been reported in the literature in at least an individual affected with Cystic Fibrosis (Banjar_2020). These data indicate that the variant may be associated with disease. To our knowledge, no experimental evidence demonstrating an impact on protein function has been reported. The following publication have been ascertained in the context of this evaluation (PMID: 3229281). ClinVar contains an entry for this variant (Variation ID: 3391039). Based on the evidence outlined above, the variant was classified as likely pathogenic.

Genomic Medicine Center of Excellence, King Faisal Specialist Hospital and Research Centre
Classification: Pathogenic for Cystic fibrosis. Last evaluated: 2024-12-18. Review status: criteria provided, single submitter. Criteria: ACMG Guidelines, 2015. Collection method: clinical testing. Allele origin: germline.

Literature cited by the submitters: PubMed 3229281 (cited by Women's Health and Genetics/Laboratory Corporation of America, LabCorp).

NM_000492.4(CFTR):c.580-1G>C

Gene: CFTR (CF transmembrane conductance regulator; plus strand). Cytogenetic location: 7q31.2.
Variant type: single nucleotide variant.
Coding change: c.580-1G>C on transcript NM_000492.4 (MANE Select); the canonical splice acceptor site of the intron before coding-DNA position 580, G replaced by C.
Molecular consequence: splice acceptor variant.
Genome position (GRCh38, 1-based): chr7:117,535,247, G>C. VCF-style: chr7-117535247-G-C. GRCh37 (hg19) VCF-style: chr7-117175301-G-C.
Identifiers: ClinVar variation 3391039 (VCV003391039.2).